The following is an entry in ClinVar:

NM_000481.4(AMT):c.959G>A (p.Arg320His)

Gene: AMT (aminomethyltransferase; minus strand). Cytogenetic location: 3p21.31.
Variant type: single nucleotide variant.
Coding change: c.959G>A on transcript NM_000481.4 (MANE Select); coding-DNA position 959, G replaced by A.
Protein change: p.Arg320His; replaces arginine 320 with histidine.
Molecular consequence: missense variant. On other transcripts: non-coding transcript variant (1).
Genome position (GRCh38, 1-based): chr3:49,417,892, C>T on the plus strand (G>A on the coding strand, the complement: AMT is on the minus strand). VCF-style: chr3-49417892-C-T. GRCh37 (hg19) VCF-style: chr3-49455325-C-T.
Other names: c.827G>A, p.Arg276His (NM_001164710.2); c.791G>A, p.Arg264His (NM_001164711.2); c.959G>A, p.Arg320His (NM_001164712.2); short protein forms R320H, R264H, R276H.
Identifiers: ClinVar variation 11979 (VCV000011979.77), dbSNP rs121964985, ClinGen allele CA341159.

ClinVar aggregate classification (germline): Pathogenic. Review status: criteria provided, multiple submitters, no conflicts (2 of 4 stars). 21 submissions from 21 submitters: Pathogenic (15). 6 of the submissions do not count toward it. Last evaluated 2026-04-01.

Conditions:
Glycine encephalopathy 1 (GCE1). Identifiers: MedGen CN376801, MONDO:0958179, OMIM 605899.
AMT-related disorder. Also called: AMT-related condition.
Glycine encephalopathy 2 (GCE2). Identifiers: MedGen C5830559, MONDO:0958192, OMIM 620398.
Inborn genetic diseases. Identifiers: MedGen C0950123, MeSH D030342.
Glycine encephalopathy. Also called: Non-ketotic hyperglycinemia; Nonketotic hyperglycinemia. Identifiers: Orphanet 407, MedGen C0751748, MONDO:0011612, HP:0008288.

Allele frequency attached by ClinVar (database versions not stated): gnomAD 0.00004; TOPMed 0.00006; ExAC 0.00007.

Submissions (21):

CeGaT Center for Human Genetics Tuebingen
Classification: Pathogenic. Last evaluated: 2026-04-01. Review status: criteria provided, single submitter. Criteria: CeGaT Center For Human Genetics Tuebingen Variant Classification Criteria Version 2. Collection method: clinical testing. Allele origin: germline. Affected: yes. Observed: 6 variant alleles.
Comment: AMT: PM3:Very Strong, PM2, PS3:Supporting

Labcorp Genetics (formerly Invitae), Labcorp
Classification: Pathogenic for Glycine encephalopathy. Last evaluated: 2026-01-09. Review status: criteria provided, single submitter. Criteria: Invitae Variant Classification Sherloc (09022015). Collection method: clinical testing. Allele origin: germline.
Comment: This sequence change replaces arginine, which is basic and polar, with histidine, which is basic and polar, at codon 320 of the AMT protein (p.Arg320His). This variant is present in population databases (rs121964985, gnomAD 0.02%). This missense change has been observed in individual(s) with glycine encephalopathy with plasma and CSF Glycine levels diagnostic for this condition, as homozygous (PMID: 8005589, 10873393, 12948742). ClinVar contains an entry for this variant (Variation ID: 11979). Invitae Evidence Modeling of protein sequence and biophysical properties (such as structural, functional, and spatial information, amino acid conservation, physicochemical variation, residue mobility, and thermodynamic stability) indicates that this missense variant is expected to disrupt AMT protein function with a positive predictive value of 95%. Experimental studies have shown that this missense change affects AMT function (PMID: 23352163). For these reasons, this variant has been classified as Pathogenic.

Mayo Clinic Laboratories, Mayo Clinic
Classification: Pathogenic. Last evaluated: 2025-11-07. Review status: criteria provided, single submitter. Criteria: ACMG Guidelines, 2015. Collection method: clinical testing. Allele origin: germline. Observed: 1 variant allele.
Comment: PP3, PP4, PM2_supporting, PM3_strong, PS3

Natera, Inc.
Classification: Pathogenic for Non-ketotic hyperglycinemia. Last evaluated: 2025-10-20. Review status: criteria provided, single submitter. Criteria: Natera Variant Classification Schema (03/2026). Collection method: clinical testing. Allele origin: germline.
Comment: The c.959G>A variant in AMT is a missense variant predicted to cause substitution of arginine to histidine at amino acid 320. This variant is rare in the general population with a frequency below the threshold expected for the associated phenotype(s). This variant has been observed in one or more individuals affected with the associated recessive disease, as either homozygous or compound heterozygous with a second variant (PMID: 26179960). Computational prediction algorithms indicate this variant is likely to affect gene or protein function. Given the available evidence, this variant is classified as Pathogenic.

Laboratory of Genetics, Children's Clinical University Hospital Latvia
Classification: Pathogenic. Last evaluated: 2025-02-16. Review status: criteria provided, single submitter. Criteria: ACMG Guidelines, 2015. Collection method: clinical testing. Allele origin: germline. Affected: yes.

Dasa
Classification: Pathogenic. Last evaluated: 2025-02-04. Review status: criteria provided, single submitter. Criteria: DASA Assertion Criteria. Collection method: clinical testing. Allele origin: germline.
Comment: NM_000481.4(AMT):c.959G>A (p.Arg320His) is a missense variant that results in the substitution of arginine with histidine. The affected residue or protein region has prior evidence supporting clinical relevance. This variant has been observed in affected individuals with related phenotype in a genotype context consistent with recessive disease (PMID: 23352163; PMID: 8005589; PMID: 10873393; PMID: 12948742; PMID: 27362913). Functional evidence supports a deleterious effect on the gene or gene product (PMID: 23352163; PMID: 8005589; PMID: 10873393; PMID: 12948742; PMID: 27362913). This variant has been recurrently observed in individuals with related phenotype (PMID: 23352163; PMID: 8005589; PMID: 10873393; PMID: 12948742; PMID: 27362913). The variant is present at low frequency in population datasets. Based on the available data, this variant is classified as pathogenic.

Ambry Genetics
Classification: Pathogenic for Inborn genetic diseases. Last evaluated: 2024-11-05. Review status: criteria provided, single submitter. Criteria: Ambry Variant Classification Scheme 2023. Collection method: clinical testing. Allele origin: germline.
Comment: The c.959G>A (p.R320H) alteration is located in exon 8 (coding exon 8) of the AMT gene. This alteration results from a G to A substitution at nucleotide position 959, causing the arginine (R) at amino acid position 320 to be replaced by a histidine (H). Based on data from gnomAD, the A allele has an overall frequency of 0.008% (23/282576) total alleles studied. The highest observed frequency was 0.017% (22/128958) of European (non-Finnish) alleles. This variant has been identified in the homozygous state and in conjunction with other AMT variants in individuals with features consistent with AMT-related glycine encephalopathy; in at least one instance, the variants were identified in trans (Nanao,1994; Toone, 2003; Swanson, 2015; Coughlin, 2017; Bayrak, 2021; Shelkowitz, 2022; Van Hirtum, 2024). This amino acid position is highly conserved in available vertebrate species. In an assay testing AMT function, this variant showed a functionally abnormal result (Yu, 2013). This alteration is predicted to be deleterious by in silico analysis. Based on the available evidence, this alteration is classified as pathogenic.

PreventionGenetics, part of Exact Sciences
Classification: Pathogenic for AMT-related condition. Last evaluated: 2024-10-28. Review status: criteria provided, single submitter. Criteria: ACMG Guidelines, 2015. Collection method: clinical testing. Allele origin: germline.
Comment: The AMT c.959G>A variant is predicted to result in the amino acid substitution p.Arg320His. This variant has been reported to be a recurrent causative allele for nonketotic hyperglycinemia (NKH), also called glycine encephalopathy (Toone et al. 2001. PubMed ID: 11286506; Coughlin et al. 2017. PubMed ID: 27362913; van Hove et al. 2019. PubMed ID: 20301531). This variant is reported in 0.017% of alleles in individuals of European (Non-Finnish) descent in gnomAD. This variant is interpreted as pathogenic.

Blueprint Genetics
Classification: Pathogenic for AMT-related disorders. Last evaluated: 2024-08-08. Review status: criteria provided, single submitter. Criteria: ACMG Guidelines, 2015. Collection method: clinical testing. Allele origin: germline. Affected: yes. Observed: 5 variant alleles.

Revvity Omics, Revvity
Classification: Pathogenic for Glycine encephalopathy 2. Last evaluated: 2024-06-23. Review status: criteria provided, single submitter. Criteria: ACMG Guidelines, 2015. Collection method: clinical testing. Allele origin: germline.

Fulgent Genetics
Classification: Pathogenic for Glycine encephalopathy 2. Last evaluated: 2024-05-22. Review status: criteria provided, single submitter. Criteria: ACMG Guidelines, 2015. Collection method: clinical testing. Allele origin: germline.

GeneDx
Classification: Pathogenic. Last evaluated: 2024-02-21. Review status: criteria provided, single submitter. Criteria: GeneDx Variant Classification Process June 2021. Collection method: clinical testing. Allele origin: germline. Affected: yes.
Comment: Published functional studies demonstrate a damaging effect with loss of enzyme activity and significant reduction of glycine cleavage activity (PMID: 23352163); In silico analysis, which includes protein predictors and evolutionary conservation, supports a deleterious effect; This variant is associated with the following publications: (PMID: 8005589, 10873393, 12948742, 27362913, 31589614, 23352163)

Laboratory of Medical Genetics, National & Kapodistrian University of Athens
Classification: Pathogenic for Glycine encephalopathy 2. Last evaluated: 2024-02-01. Review status: criteria provided, single submitter. Criteria: ACMG Guidelines, 2015. Collection method: curation. Allele origin: germline. Affected: no.

CENTOGENE GmbH and LLC - Guiding Precision Medicine
Classification: Pathogenic for Glycine encephalopathy 1. Last evaluated: 2017-06-19. Review status: criteria provided, single submitter. Criteria: ACMG Guidelines, 2015. Collection method: clinical testing. Allele origin: germline. Affected: yes.

Women's Health and Genetics/Laboratory Corporation of America, LabCorp
Classification: Pathogenic for Glycine encephalopathy. Last evaluated: 2017-03-09. Review status: criteria provided, single submitter. Criteria: LabCorp Variant Classification Summary - May 2015. Collection method: clinical testing. Allele origin: germline.
Comment: Variant summary: The AMT c.959G>A (p.Arg320His) variant involves the alteration of a conserved nucleotide, resulting in a missense substitution. 4/4 in silico tools predict a damaging outcome for this variant (SNPs&GO not captured due to low reliability index). This variant was found in the large control population database ExAC at a frequency of 0.0000745 (9/120770 control chromosomes), which does not exceed the estimated maximal expected allele frequency of a pathogenic AMT variant (0.0014049). Multiple clinical diagnostic laboratories/reputable databases classified this variant as pathogenic. Several publications show the variant segregating with disease (e.g., Toone_MGM_2000) and additional studies provide functional data suggesting that the variant is disease causing (e.g., Swanson_Ann Neurol_2015). Taken together, this variant is classified as pathogenic.

Counsyl
Classification: Likely pathogenic for Glycine encephalopathy 1. Last evaluated: 2016-11-18. Review status: no assertion criteria provided. Collection method: clinical testing. Allele origin: unknown. Not counted in ClinVar's aggregate classification.

OMIM
Classification: Pathogenic for GLYCINE ENCEPHALOPATHY 2. Last evaluated: 2001-04-01. Review status: no assertion criteria provided. Collection method: literature only. Allele origin: germline. Not counted in ClinVar's aggregate classification.

GeneReviews
No classification provided. Condition: Glycine encephalopathy. Review status: no classification provided. Collection method: literature only. Allele origin: unknown. Not counted in ClinVar's aggregate classification.

Genome Diagnostics Laboratory, University Medical Center Utrecht
Classification: Pathogenic. Review status: no assertion criteria provided. Collection method: clinical testing. Allele origin: germline. Affected: yes. Study: VKGL Data-share Consensus. Not counted in ClinVar's aggregate classification.

Joint Genome Diagnostic Labs from Nijmegen and Maastricht, Radboudumc and MUMC+
Classification: Pathogenic. Review status: no assertion criteria provided. Collection method: clinical testing. Allele origin: germline. Affected: yes. Study: VKGL Data-share Consensus. Not counted in ClinVar's aggregate classification.

Laboratory of Diagnostic Genome Analysis, Leiden University Medical Center (LUMC)
Classification: Pathogenic. Review status: no assertion criteria provided. Collection method: clinical testing. Allele origin: germline. Affected: yes. Study: VKGL Data-share Consensus. Not counted in ClinVar's aggregate classification.

Literature cited by the submitters: PubMed 8005589 (cited by 6 submitters); PubMed 10873393 (cited by 5 submitters); PubMed 12948742 (cited by 4 submitters); PubMed 23352163 (cited by 5 submitters); PubMed 11139253 (cited by Mayo Clinic Laboratories, Mayo Clinic and Women's Health and Genetics/Laboratory Corporation of America, LabCorp); PubMed 11286506 (cited by 3 submitters); PubMed 22261077 (cited by 3 submitters); PubMed 26179960 (cited by 5 submitters); PubMed 36471344 (cited by Mayo Clinic Laboratories, Mayo Clinic and Ambry Genetics); PubMed 27362913 (cited by 3 submitters); PubMed 31589614 (cited by Dasa); PubMed 33791923 (cited by Ambry Genetics); PubMed 38589924 (cited by Ambry Genetics); PubMed 27164344 (cited by Women's Health and Genetics/Laboratory Corporation of America, LabCorp); PubMed 20301531 (cited by GeneReviews); NCBI Bookshelf NBK1357 (cited by GeneReviews).